The following is an entry in ClinVar:

ClinVar aggregate classification (germline): Uncertain significance (1 of 4 stars; one submission).

Allele frequency attached by ClinVar (database versions not stated): gnomAD exomes 0.00001.
gnomAD v4.1: 3 of 1,551,744 alleles (0.00019%); highest among the groups gnomAD compares: Non-Finnish European, 0.00026%; no homozygotes.

Submission:

Labcorp Genetics (formerly Invitae), Labcorp
Classification: Uncertain significance. Last evaluated: 2023-02-22. Review status: criteria provided, single submitter. Criteria: Invitae Variant Classification Sherloc (09022015). Collection method: clinical testing. Allele origin: germline.
Comment: In summary, the available evidence is currently insufficient to determine the role of this variant in disease. Therefore, it has been classified as a Variant of Uncertain Significance. An algorithm developed to predict the effect of missense changes on protein structure and function (PolyPhen-2) suggests that this variant is likely to be disruptive. This variant has not been reported in the literature in individuals affected with SLC51B-related conditions. This variant is not present in population databases (gnomAD no frequency). This sequence change replaces glutamic acid, which is acidic and polar, with aspartic acid, which is acidic and polar, at codon 23 of the SLC51B protein (p.Glu23Asp).

NM_178859.4(SLC51B):c.69G>C (p.Glu23Asp)

Genes: RASL12 (RAS like family 12; minus strand), SLC51B (SLC51 subunit beta; plus strand). Cytogenetic location: 15q22.31.
Variant type: single nucleotide variant.
Coding change: c.69G>C on transcript NM_178859.4 (MANE Select); coding-DNA position 69, G replaced by C.
Protein change: p.Glu23Asp; replaces glutamic acid 23 with aspartic acid.
Molecular consequence: missense variant.
Genome position (GRCh38, 1-based): chr15:65,050,073, G>C. VCF-style: chr15-65050073-G-C. GRCh37 (hg19) VCF-style: chr15-65342411-G-C.
Other names: short protein forms E23D.
Identifiers: ClinVar variation 2785008 (VCV002785008.3), dbSNP rs2506183154, ClinGen allele CA392871098.
Genomic context (GRCh38, chr15:65,050,073, plus strand): 5'-CAGTGAGGGGGCTCCCGGAGACCCAGCCGGTACTGTGGTACCCCAGGAGCTGCTGGAAGA[G>C]ATGCTTTGGTTTTTTCGTGTGGAAGATGGTAAGTGGTGAGAGATTGACGGCAGGGGTGGG-3'
Protein context (NP_849190.2, residues 13-33): GTVVPQELLE[Glu23Asp]MLWFFRVEDA